The following is an entry in ClinVar:

ClinVar aggregate classification (germline): Likely pathogenic (1 of 4 stars; one submission).

Allele frequency attached by ClinVar (database versions not stated): ExAC 0.00001; gnomAD 0.00001; gnomAD exomes 0.00001.
gnomAD v4.1: 13 of 1,567,154 alleles (0.00083%); highest among the groups gnomAD compares: Non-Finnish European, 0.001%; no homozygotes.

Submission:

Labcorp Genetics (formerly Invitae), Labcorp
Classification: Likely pathogenic. Last evaluated: 2022-09-19. Review status: criteria provided, single submitter. Criteria: Invitae Variant Classification Sherloc (09022015). Collection method: clinical testing. Allele origin: germline.
Comment: This sequence change affects an acceptor splice site in intron 5 of the PIGB gene. It is expected to disrupt RNA splicing. Variants that disrupt the donor or acceptor splice site typically lead to a loss of protein function (PMID: 16199547), and loss-of-function variants in PIGB are known to be pathogenic (PMID: 31256876, 34400385). This variant is present in population databases (rs767831472, gnomAD 0.002%). This variant has not been reported in the literature in individuals affected with PIGB-related conditions. Algorithms developed to predict the effect of sequence changes on RNA splicing suggest that this variant may disrupt the consensus splice site. In summary, the currently available evidence indicates that the variant is pathogenic, but additional data are needed to prove that conclusively. Therefore, this variant has been classified as Likely Pathogenic.

Literature cited by the submitters: PubMed 16199547; PubMed 31256876; PubMed 34400385.

NM_004855.5(PIGB):c.654-2A>G

Gene: PIGB (phosphatidylinositol glycan anchor biosynthesis class B; plus strand). Cytogenetic location: 15q21.3.
Variant type: single nucleotide variant.
Coding change: c.654-2A>G on transcript NM_004855.5 (MANE Select); the canonical splice acceptor site of the intron before coding-DNA position 654, A replaced by G.
Molecular consequence: splice acceptor variant.
Genome position (GRCh38, 1-based): chr15:55,333,865, A>G. VCF-style: chr15-55333865-A-G. GRCh37 (hg19) VCF-style: chr15-55626063-A-G.
Identifiers: ClinVar variation 2099514 (VCV002099514.4), dbSNP rs767831472, ClinGen allele CA7573899.